The following is an entry in ClinVar:

NM_003901.4(SGPL1):c.959G>C (p.Gly320Ala)

Gene: SGPL1 (sphingosine-1-phosphate lyase 1; plus strand). Cytogenetic location: 10q22.1.
Variant type: single nucleotide variant.
Coding change: c.959G>C on transcript NM_003901.4 (MANE Select); coding-DNA position 959, G replaced by C.
Protein change: p.Gly320Ala; replaces glycine 320 with alanine.
Molecular consequence: missense variant.
Genome position (GRCh38, 1-based): chr10:70,871,886, G>C. VCF-style: chr10-70871886-G-C. GRCh37 (hg19) VCF-style: chr10-72631643-G-C.
Other names: short protein forms G320A.
Identifiers: ClinVar variation 2192712 (VCV002192712.2), dbSNP rs375338766, ClinGen allele CA5541343.

ClinVar aggregate classification (germline): Uncertain significance (1 of 4 stars; one submission).

Allele frequency attached by ClinVar (database versions not stated): ExAC 0.00001; gnomAD 0.00003; ESP Exome Variant Server 0.00008.
gnomAD v4.1: 30 of 1,613,932 alleles (0.0019%); highest among the groups gnomAD compares: African/African-American, 0.0027%; no homozygotes.

Submission:

Labcorp Genetics (formerly Invitae), Labcorp
Classification: Uncertain significance. Last evaluated: 2025-11-17. Review status: criteria provided, single submitter. Criteria: Invitae Variant Classification Sherloc (09022015). Collection method: clinical testing. Allele origin: germline.
Comment: This sequence change replaces glycine, which is neutral and non-polar, with alanine, which is neutral and non-polar, at codon 320 of the SGPL1 protein (p.Gly320Ala). This variant is present in population databases (rs375338766, gnomAD 0.002%). This variant has not been reported in the literature in individuals affected with SGPL1-related conditions. ClinVar contains an entry for this variant (Variation ID: 2192712). Invitae Evidence Modeling of protein sequence and biophysical properties (such as structural, functional, and spatial information, amino acid conservation, physicochemical variation, residue mobility, and thermodynamic stability) indicates that this missense variant is expected to disrupt SGPL1 protein function with a positive predictive value of 80%. In summary, the available evidence is currently insufficient to determine the role of this variant in disease. Therefore, it has been classified as a Variant of Uncertain Significance.